The following is an entry in ClinVar:

NM_003235.5(TG):c.5370A>G (p.Ile1790Met)

Gene: TG (thyroglobulin; plus strand). Cytogenetic location: 8q24.22.
Variant type: single nucleotide variant.
Coding change: c.5370A>G on transcript NM_003235.5 (MANE Select); coding-DNA position 5370, A replaced by G.
Protein change: p.Ile1790Met; replaces isoleucine 1790 with methionine.
Molecular consequence: missense variant.
Genome position (GRCh38, 1-based): chr8:132,948,912, A>G. VCF-style: chr8-132948912-A-G. GRCh37 (hg19) VCF-style: chr8-133961157-A-G.
Other names: short protein forms I1790M.
Identifiers: ClinVar variation 361974 (VCV000361974.15), dbSNP rs73710715, ClinGen allele CA4884466.
Genomic context (GRCh38, chr8:132,948,912, plus strand): 5'-AGCCTGGGCTAATGCTACATGTCCTGGTGTGACATATGACCAGGAGAGCCACCAGGTGAT[A>G]TTGCGTCTTGGAGACCAGGAGTTCATCAAGAGTAAGTCTTTGCCATTTGTCCATATTCTT-3'
Protein context (NP_003226.4, residues 1780-1800): VTYDQESHQV[Ile1790Met]LRLGDQEFIK

ClinVar aggregate classification (germline): Benign/Likely benign. Review status: criteria provided, multiple submitters, no conflicts (2 of 4 stars). 5 submissions from 5 submitters: Benign (1); Likely benign (3). 1 of the submissions does not count toward it. Last evaluated 2026-05-12.

Conditions:
Congenital hypothyroidism. Identifiers: Orphanet 442, MedGen C0010308, MONDO:0018612, HP:0000851.
Iodotyrosyl coupling defect (TDH3). Also called: HYPOTHYROIDISM, CONGENITAL, DUE TO DYSHORMONOGENESIS, 3; THYROID HORMONOGENESIS, GENETIC DEFECT IN, 3. Identifiers: Orphanet 95716, MedGen C0342194, MONDO:0010135, OMIM 274700.

Allele frequency attached by ClinVar (database versions not stated): ExAC 0.00422; ESP Exome Variant Server 0.01453; gnomAD exomes 0.00336 and 0.00132; 1000 Genomes Project 30x 0.01218; TOPMed 0.01519; 1000 Genomes Project 0.01098; gnomAD 0.01335 and 0.01452.
gnomAD v4.1: 4,010 of 1,613,946 alleles (0.25%); highest among the groups gnomAD compares: African/African-American, 4.8%; 92 homozygotes.

Submissions (5):

Women's Health and Genetics/Laboratory Corporation of America, LabCorp
Classification: Likely benign. Last evaluated: 2026-05-12. Review status: criteria provided, single submitter. Criteria: LabCorp Variant Classification Summary - May 2015. Collection method: clinical testing. Allele origin: germline.

Labcorp Genetics (formerly Invitae), Labcorp
Classification: Benign. Last evaluated: 2026-02-02. Review status: criteria provided, single submitter. Criteria: Invitae Variant Classification Sherloc (09022015). Collection method: clinical testing. Allele origin: germline.

Illumina Laboratory Services, Illumina
Classification: Likely benign for Iodotyrosyl coupling defect. Last evaluated: 2018-01-13. Review status: criteria provided, single submitter. Criteria: ICSL Variant Classification Criteria 13 December 2019. Collection method: clinical testing. Allele origin: germline.
Comment: This variant was observed in the ICSL laboratory as part of a predisposition screen in an ostensibly healthy population. It had not been previously curated by ICSL or reported in the Human Gene Mutation Database (HGMD: prior to June 1st, 2018), and was therefore a candidate for classification through an automated scoring system. Utilizing variant allele frequency, disease prevalence and penetrance estimates, and inheritance mode, an automated score was calculated to assess if this variant is too frequent to cause the disease. Based on the score and internal cut-off values, a variant classified as likely benign is not then subjected to further curation. The score for this variant resulted in a classification of likely benign for this disease.

Breakthrough Genomics
Classification: Likely benign. Review status: criteria provided, single submitter. Criteria: ACMG Guidelines, 2015. Collection method: not provided. Allele origin: germline. Inheritance: Autosomal recessive inheritance. Affected: yes.

Polak associated Lab, IMAGINE Institute
Classification: Benign for Congenital hypothyroidism. Review status: no assertion criteria provided. Collection method: clinical testing. Allele origin: germline. Affected: yes. Not counted in ClinVar's aggregate classification.